The following is an entry in ClinVar:

NM_000540.3(RYR1):c.12282+3G>A

Gene: RYR1 (ryanodine receptor 1; plus strand). Cytogenetic location: 19q13.2.
Variant type: single nucleotide variant.
Coding change: c.12282+3G>A on transcript NM_000540.3 (MANE Select); 3 bases into the intron after coding-DNA position 12282, G replaced by A.
Molecular consequence: intron variant.
Genome position (GRCh38, 1-based): chr19:38,548,423, G>A. VCF-style: chr19-38548423-G-A. GRCh37 (hg19) VCF-style: chr19-39039063-G-A.
Other names: c.12267+3G>A (NM_001042723.2).
Identifiers: ClinVar variation 1022651 (VCV001022651.7), dbSNP rs1422270943, ClinGen allele CA882052457.
Genomic context (GRCh38, chr19:38,548,423, plus strand): 5'-CTTCCAGGACTACGTAACGGATCCCCGTGGCCTCATCTCCAAGAAGGACTTCCAGAAGGT[G>A]GGTGTGGGACATCGTGTGGGCCCAGGACTTGGGTGGGGTTGCCAAGGGCCAGCCATACCC-3'

ClinVar aggregate classification (germline): Uncertain significance. Review status: criteria provided, multiple submitters, no conflicts (2 of 4 stars). 2 submissions from 2 submitters: Uncertain significance (2). Last evaluated 2023-09-04.

Conditions:
Malignant hyperthermia, susceptibility to, 1 (MHS1). Also called: RYR1-Related Malignant Hyperthermia Susceptibility; Malignant hyperthermia suceptibility 1; Anesthesia related hyperthermia; Malignant hyperpyrexia; Fulminating hyperpyrexia; Pharmacogenic myopathy. Identifiers: Orphanet 423, MedGen C2930980, MONDO:0007783, OMIM 145600.
RYR1-related disorder. Also called: RYR1-related disorders; RYR1-related condition. Identifiers: MedGen CN239331.

Allele frequency attached by ClinVar (database versions not stated): TOPMed below 0.00001.

Submissions (2):

All of Us Research Program, National Institutes of Health
Classification: Uncertain significance for Malignant hyperthermia, susceptibility to, 1. Last evaluated: 2023-09-04. Review status: criteria provided, single submitter. Criteria: ACMG Guidelines, 2015. Collection method: clinical testing. Allele origin: germline. Inheritance: Autosomal dominant inheritance. Observed: 1 variant allele, 1 heterozygote.
Comment: This variant causes a G to A nucleotide substitution at the +3 position of intron 89 of the RYR1 gene. To our knowledge, functional studies have not been reported for this variant. This variant has not been reported in individuals affected with RYR1-related disorders in the literature. This variant has not been identified in the general population by the Genome Aggregation Database (gnomAD). The available evidence is insufficient to determine the role of this variant in disease conclusively. Therefore, this variant is classified as a Variant of Uncertain Significance.

This study involves interpretation of variants in research participants for the purpose of population health screening. Participant phenotype was not available at the time of variant classification. Additional details can be found in publication PMID: 35346344, PMCID: PMC8962531

Labcorp Genetics (formerly Invitae), Labcorp
Classification: Uncertain significance for RYR1-related disorder. Last evaluated: 2022-09-07. Review status: criteria provided, single submitter. Criteria: Invitae Variant Classification Sherloc (09022015). Collection method: clinical testing. Allele origin: germline.
Comment: Variants that disrupt the consensus splice site are a relatively common cause of aberrant splicing (PMID: 17576681, 9536098). Algorithms developed to predict the effect of sequence changes on RNA splicing suggest that this variant is not likely to affect RNA splicing. In summary, the available evidence is currently insufficient to determine the role of this variant in disease. Therefore, it has been classified as a Variant of Uncertain Significance. ClinVar contains an entry for this variant (Variation ID: 1022651). This sequence change falls in intron 89 of the RYR1 gene. It does not directly change the encoded amino acid sequence of the RYR1 protein. It affects a nucleotide within the consensus splice site. This variant is not present in population databases (gnomAD no frequency). This variant has not been reported in the literature in individuals affected with RYR1-related conditions.

Literature cited by the submitters: PubMed 17576681 (cited by Labcorp Genetics (formerly Invitae), Labcorp); PubMed 9536098 (cited by Labcorp Genetics (formerly Invitae), Labcorp).